The following is an entry in ClinVar:

NM_000719.7(CACNA1C):c.5147_5186dup (p.His1729fs)

Genes: CACNA1C (calcium voltage-gated channel subunit alpha1 C; plus strand), CACNA1C-AS1 (CACNA1C antisense RNA 1; minus strand). Cytogenetic location: 12p13.33.
Variant type: Duplication.
Coding change: c.5147_5186dup on transcript NM_000719.7 (MANE Select); coding-DNA positions 5147 to 5186, 40 bases duplicated.
Protein change: p.His1729fs; shifts the reading frame from histidine 1729.
Molecular consequence: frameshift variant.
Genome position (GRCh38, 1-based): chr12:2,679,499-2,679,538, 40 bases duplicated; duplicating any 40 consecutive bases within chr12:2,679,498-2,679,538 gives the same sequence; the c. name uses the placement nearest the transcript's 3' end. GRCh37 (hg19): chr12:2,788,665-2,788,704.
Other names: c.5147_5186dupGCGCCTTCCCCCAGACCTTCACCACTCAGCGCCCGCTGCA (NM_000719.6); c.5291_5330dup, p.His1777fs (NM_001129827.2, NM_199460.4); c.5270_5309dup, p.His1770fs (NM_001129829.2); c.5147_5186dup, p.His1729fs (NM_001129830.3, NM_001129840.2, NM_001129841.2 and 4 more transcripts); c.5231_5270dup, p.His1757fs (NM_001129831.2); c.5207_5246dup, p.His1749fs (NM_001129832.2); c.5204_5243dup, p.His1748fs (NM_001129833.2, NM_001129834.2, NM_001129835.2); c.5198_5237dup, p.His1746fs (NM_001129836.2); and 4 more; short protein forms H1737fs, H1746fs, H1748fs, H1749fs, H1718fs, H1726fs, H1729fs, H1735fs.
Identifiers: ClinVar variation 429850 (VCV000429850.2), dbSNP rs1556099231, ClinGen allele CA645369516.

ClinVar aggregate classification (germline): Uncertain significance (1 of 4 stars; one submission).

Submission:

GeneDx
Classification: Uncertain significance. Last evaluated: 2017-05-15. Review status: criteria provided, single submitter. Criteria: GeneDx Variant Classification (06012015). Collection method: clinical testing. Allele origin: germline. Affected: yes.
Comment: The c.5147_5186dup40 variant in the CACNA1C gene has not been reported previously as a pathogenic variant nor as a benign variant, to our knowledge. The c.5147_5186dup40 variant causes a frameshift starting with codon Histidine 1729, changes this amino acid to a Glutamine residue, and creates a premature Stop codon at position 26 of the new reading frame, denoted p.His1729GlnfsX26. This variant is predicted to cause loss of normal protein function either through protein truncation or nonsense-mediated mRNA decay. The c.5147_5186dup40 variant is not observed in large population cohorts (Lek et al., 2016; 1000 Genomes Consortium et al., 2015; Exome Variant Server). We interpret c.5147_5186dup40 as a variant of uncertain significance.